The following is an entry in ClinVar:

NM_000051.4(ATM):c.8083G>A (p.Gly2695Ser)

Genes: ATM (ATM serine/threonine kinase; plus strand), C11orf65 (chromosome 11 open reading frame 65; minus strand). Cytogenetic location: 11q22.3.
Variant type: single nucleotide variant.
Coding change: c.8083G>A on transcript NM_000051.4 (MANE Select); coding-DNA position 8083, G replaced by A.
Protein change: p.Gly2695Ser; replaces glycine 2695 with serine.
Molecular consequence: missense variant. On other transcripts: intron variant (2).
Genome position (GRCh38, 1-based): chr11:108,335,041, G>A. VCF-style: chr11-108335041-G-A. GRCh37 (hg19) VCF-style: chr11-108205768-G-A.
Other names: c.8083G>A, p.Gly2695Ser (NM_001351834.2); c.641-25970C>T (NM_001330368.2); c.*38+179C>T (NM_001351110.2); short protein forms G2695S.
Identifiers: ClinVar variation 524387 (VCV000524387.13), dbSNP rs1555127166, ClinGen allele CA382562035.

ClinVar aggregate classification (germline): Uncertain significance. Review status: criteria provided, multiple submitters, no conflicts (2 of 4 stars). 4 submissions from 4 submitters: Uncertain significance (4). Last evaluated 2025-07-07.

Conditions:
Hereditary cancer-predisposing syndrome. Also called: Hereditary Cancer Syndrome; Neoplastic Syndromes, Hereditary; Tumor predisposition; Hereditary neoplastic syndrome. Identifiers: Orphanet 140162, MedGen C0027672, MeSH D009386, MONDO:0015356.
Ataxia-telangiectasia syndrome (AT). Also called: Cerebello-oculocutaneous telangiectasia; Immunodeficiency with ataxia telangiectasia; Ataxia-telangiectasia, complementation group E; Ataxia-telangiectasia, complementation group D; AT, COMPLEMENTATION GROUP C; ATAXIA-TELANGIECTASIA, COMPLEMENTATION GROUP A. Identifiers: Orphanet 100, MedGen C0004135, MONDO:0008840, OMIM 208900.

Submissions (4):

Labcorp Genetics (formerly Invitae), Labcorp
Classification: Uncertain significance for Ataxia-telangiectasia syndrome. Last evaluated: 2025-07-07. Review status: criteria provided, single submitter. Criteria: Invitae Variant Classification Sherloc (09022015). Collection method: clinical testing. Allele origin: germline.
Comment: This sequence change replaces glycine, which is neutral and non-polar, with serine, which is neutral and polar, at codon 2695 of the ATM protein (p.Gly2695Ser). This variant is not present in population databases (gnomAD no frequency). This missense change has been observed in individual(s) with breast cancer and ataxia-telangiectasia (PMID: 29665859, 31050087). ClinVar contains an entry for this variant (Variation ID: 524387). Invitae Evidence Modeling of protein sequence and biophysical properties (such as structural, functional, and spatial information, amino acid conservation, physicochemical variation, residue mobility, and thermodynamic stability) indicates that this missense variant is expected to disrupt ATM protein function with a positive predictive value of 95%. Experimental studies have shown that this missense change affects ATM function (PMID: 31050087). In summary, the available evidence is currently insufficient to determine the role of this variant in disease. Therefore, it has been classified as a Variant of Uncertain Significance.

Color Diagnostics, LLC DBA Color Health
Classification: Uncertain significance for Hereditary cancer-predisposing syndrome. Last evaluated: 2022-11-22. Review status: criteria provided, single submitter. Criteria: ACMG Guidelines, 2015. Collection method: clinical testing. Allele origin: germline.
Comment: This missense variant replaces glycine with serine at codon 2695 of the ATM protein. Computational prediction suggests that this variant may have deleterious impact on protein structure and function (internally defined REVEL score threshold >= 0.7, PMID: 27666373). To our knowledge, functional studies have not been reported for this variant. This variant has been reported in an individual affected with ataxia-telangiectasia (PMID: 29665859). This variant has not been identified in the general population by the Genome Aggregation Database (gnomAD). The available evidence is insufficient to determine the role of this variant in disease conclusively. Therefore, this variant is classified as a Variant of Uncertain Significance.

Ambry Genetics
Classification: Uncertain significance for Hereditary cancer-predisposing syndrome. Last evaluated: 2022-04-29. Review status: criteria provided, single submitter. Criteria: Ambry Variant Classification Scheme 2023. Collection method: clinical testing. Allele origin: germline.
Comment: The p.G2695S variant (also known as c.8083G>A), located in coding exon 54 of the ATM gene, results from a G to A substitution at nucleotide position 8083. The glycine at codon 2695 is replaced by serine, an amino acid with similar properties. This alteration was identified in the homozygous state in a pediatric patient diagnosed with ocular telangiectasia, but had no other classic features of ataxia-telangiectasia (A-T). The authors report the ATM protein derived from this patient&rsquo;s lymphoblastoid cells demonstrated the same nuclear localization as the wild-type cell lines, but reduction in phosphorylation of CHK2 and KAP1 and impaired cell cycle arrest in response to DNA damage (Fi&eacute;vet A et al. Hum. Mutat. 2019 10;40:1713-1730). This amino acid position is highly conserved in available vertebrate species. In addition, this alteration is predicted to be deleterious by in silico analysis. Since supporting evidence is limited at this time, the clinical significance of this alteration remains unclear.

GeneDx
Classification: Uncertain significance. Last evaluated: 2019-06-03. Review status: criteria provided, single submitter. Criteria: GeneDx Variant Classification Process June 2021. Collection method: clinical testing. Allele origin: germline. Affected: yes.
Comment: Not observed in large population cohorts (Lek et al., 2016); In silico analysis, which includes protein predictors and evolutionary conservation, supports a deleterious effect; This variant is associated with the following publications: (PMID: 25885250, 29665859, 25394791, 29449575, 31050087)

Literature cited by the submitters: PubMed 29665859 (cited by 3 submitters); PubMed 31050087 (cited by Labcorp Genetics (formerly Invitae), Labcorp and Ambry Genetics).